The following is an entry in ClinVar:

NM_139321.3(ATRN):c.1237T>C (p.Ser413Pro)

Gene: ATRN (attractin; plus strand). Cytogenetic location: 20p13.
Variant type: single nucleotide variant.
Coding change: c.1237T>C on transcript NM_139321.3 (MANE Select); coding-DNA position 1237, T replaced by C.
Protein change: p.Ser413Pro; replaces serine 413 with proline.
Molecular consequence: missense variant.
Genome position (GRCh38, 1-based): chr20:3,560,695, T>C. VCF-style: chr20-3560695-T-C. GRCh37 (hg19) VCF-style: chr20-3541342-T-C.
Other names: c.889T>C, p.Ser297Pro (NM_001207047.3); c.1237T>C, p.Ser413Pro (NM_001323332.2, NM_139322.4); short protein forms S297P, S413P.
Identifiers: ClinVar variation 2980839 (VCV002980839.3), dbSNP rs766620297, ClinGen allele CA9744009.

ClinVar aggregate classification (germline): Uncertain significance (1 of 4 stars; one submission).

Allele frequency attached by ClinVar (database versions not stated): gnomAD 0.00001; ExAC 0.00002; gnomAD exomes 0.00003; TOPMed 0.00002.
gnomAD v4.1: 51 of 1,613,082 alleles (0.0032%); highest among the groups gnomAD compares: Middle Eastern, 0.066%; no homozygotes.

Submission:

Labcorp Genetics (formerly Invitae), Labcorp
Classification: Uncertain significance. Last evaluated: 2025-11-20. Review status: criteria provided, single submitter. Criteria: Invitae Variant Classification Sherloc (09022015). Collection method: clinical testing. Allele origin: germline.
Comment: This sequence change replaces serine, which is neutral and polar, with proline, which is neutral and non-polar, at codon 413 of the ATRN protein (p.Ser413Pro). This variant is present in population databases (rs766620297, gnomAD 0.01%). This variant has not been reported in the literature in individuals affected with ATRN-related conditions. ClinVar contains an entry for this variant (Variation ID: 2980839). An algorithm developed to predict the effect of missense changes on protein structure and function (PolyPhen-2) suggests that this variant is likely to be disruptive. In summary, the available evidence is currently insufficient to determine the role of this variant in disease. Therefore, it has been classified as a Variant of Uncertain Significance.